The following is an entry in ClinVar:

ClinVar aggregate classification (germline): Pathogenic (1 of 4 stars; one submission).

Conditions:
Glutaric aciduria, type 1. Also called: Glutaryl-CoA dehydrogenase deficiency; Glutaric Acidemia Type 1; Glutaric acidemia type I; Glutaricacidemia Type 1; GA I; Glutaricaciduria, type I. Identifiers: Orphanet 25, MedGen C0268595, MONDO:0009281, OMIM 231670.

Submission:

Labcorp Genetics (formerly Invitae), Labcorp
Classification: Pathogenic for Glutaric aciduria, type 1. Last evaluated: 2023-01-22. Review status: criteria provided, single submitter. Criteria: Invitae Variant Classification Sherloc (09022015). Collection method: clinical testing. Allele origin: germline.
Comment: This variant results in the deletion of part of exon 11 (c.1208_1243+718del) of the GCDH gene. While this variant is not anticipated to result in nonsense mediated decay, it likely alters RNA splicing and results in a disrupted protein product. This variant is not present in population databases (gnomAD no frequency). For these reasons, this variant has been classified as Pathogenic. This variant disrupts a region of the GCDH protein in which other variant(s) (p.Tyr413Cys) have been determined to be pathogenic (PMID: 25762492). This suggests that this is a clinically significant region of the protein, and that variants that disrupt it are likely to be disease-causing. Variants that disrupt the consensus splice site are a relatively common cause of aberrant splicing (PMID: 17576681, 9536098). This variant has not been reported in the literature in individuals affected with GCDH-related conditions.

Literature cited by the submitters: PubMed 25762492; PubMed 17576681; PubMed 9536098.

NM_000159.4(GCDH):c.1208_1243+718del

Gene: GCDH (glutaryl-CoA dehydrogenase; plus strand). Cytogenetic location: 19p13.13.
Variant type: Deletion.
Coding change: c.1208_1243+718del on transcript NM_000159.4 (MANE Select); coding-DNA position 1208 through 718 bases into the intron after coding-DNA position 1243, 754 bases deleted.
Molecular consequence: splice donor variant.
Genome position (GRCh38, 1-based): chr19:12,897,828-12,898,581, 754 bases deleted. GRCh37 (hg19): chr19:13,008,642-13,009,395.
Other names: c.1208_1243+718del (NM_013976.5).
Identifiers: ClinVar variation 2831178 (VCV002831178.3), dbSNP rs2512577720, ClinGen allele CA2739276562.